The following is an entry in ClinVar:

ClinVar aggregate classification (germline): Uncertain significance (1 of 4 stars; one submission).

gnomAD v4.1: 1 of 1,613,816 alleles (0.000062%); highest among the groups gnomAD compares: Non-Finnish European, 0.000085%; no homozygotes.

Submission:

Labcorp Genetics (formerly Invitae), Labcorp
Classification: Uncertain significance. Last evaluated: 2024-08-21. Review status: criteria provided, single submitter. Criteria: Invitae Variant Classification Sherloc (09022015). Collection method: clinical testing. Allele origin: germline.
Comment: This sequence change replaces glutamine, which is neutral and polar, with histidine, which is basic and polar, at codon 203 of the C3 protein (p.Gln203His). This variant is present in population databases (rs368178889, gnomAD 0.0009%). This missense change has been observed in individual(s) with complement-mediated thrombotic microangiopathy (PMID: 37103770). Invitae Evidence Modeling of protein sequence and biophysical properties (such as structural, functional, and spatial information, amino acid conservation, physicochemical variation, residue mobility, and thermodynamic stability) indicates that this missense variant is not expected to disrupt C3 protein function with a negative predictive value of 80%. In summary, the available evidence is currently insufficient to determine the role of this variant in disease. Therefore, it has been classified as a Variant of Uncertain Significance.

Literature cited by the submitters: PubMed 37103770.

NM_000064.4(C3):c.609G>C (p.Gln203His)

Gene: C3 (complement C3; minus strand). Cytogenetic location: 19p13.3.
Variant type: single nucleotide variant.
Coding change: c.609G>C on transcript NM_000064.4 (MANE Select); coding-DNA position 609, G replaced by C.
Protein change: p.Gln203His; replaces glutamine 203 with histidine.
Molecular consequence: missense variant.
Genome position (GRCh38, 1-based): chr19:6,714,239, C>G on the plus strand (G>C on the coding strand, the complement: C3 is on the minus strand). VCF-style: chr19-6714239-C-G. GRCh37 (hg19) VCF-style: chr19-6714250-C-G.
Other names: short protein forms Q203H.
Identifiers: ClinVar variation 3700429 (VCV003700429.2).
Genomic context (GRCh38, chr19:6,714,239, plus strand): 5'-CTCAAACTCAGTGGAGAAGACCTGCTGTGGTGAGTTTTCATAGTAGGCTCGGATCTTCCA[C>G]TGGCCCATGCTGTGAGGAGGGCGGATGAGTGGTCTCTCAGGCCTCGGAGCCCCCCTGCTC-3'
Protein context (NP_000055.2, residues 193-213): WDIPELVNMG[Gln203His]WKIRAYYENS